The following is an entry in ClinVar:

ClinVar aggregate classification (germline): Uncertain significance. Review status: criteria provided, multiple submitters, no conflicts (2 of 4 stars). 3 submissions from 3 submitters: Uncertain significance (2). 1 of the submissions does not count toward it. Last evaluated 2025-12-01.

Conditions:
MC2R-related disorder. Also called: MC2R-related condition.
Glucocorticoid Deficiency. Identifiers: MedGen C1955741.
Glucocorticoid deficiency 1 (GCCD1). Also called: Adrenal unresponsiveness to acth; Glucocorticoid deficiency, due to ACTH unresponsiveness; FAMILIAL GLUCOCORTICOID DEFICIENCY 1. Identifiers: Orphanet 361, MedGen C4049650, MONDO:0024536, OMIM 202200.

Allele frequency attached by ClinVar (database versions not stated): 1000 Genomes Project 0.00020; ESP Exome Variant Server 0.00023; 1000 Genomes Project 30x 0.00031; TOPMed 0.00050; ExAC 0.00057; gnomAD exomes 0.00059 and 0.00103; gnomAD 0.00060 and 0.00062.
gnomAD v4.1: 1,589 of 1,614,018 alleles (0.098%); highest among the groups gnomAD compares: Non-Finnish European, 0.12%; 2 homozygotes.

Submissions (3):

PreventionGenetics, part of Exact Sciences
Classification: Uncertain significance for MC2R-related condition. Last evaluated: 2025-12-01. Review status: criteria provided, single submitter. Criteria: ACMG Guidelines, 2015. Collection method: clinical testing. Allele origin: germline.
Comment: The MC2R c.765G>A variant is predicted to result in the amino acid substitution p.Met255Ile. To our knowledge, this variant has not been reported in the literature. This variant is reported in 0.12% of alleles in individuals of European (Finnish) descent in gnomAD. Although we suspect that this variant may be benign, at this time, the clinical significance of this variant is uncertain due to the absence of conclusive functional and genetic evidence.

Illumina Laboratory Services, Illumina
Classification: Uncertain significance for Glucocorticoid deficiency 1. Last evaluated: 2018-01-13. Review status: criteria provided, single submitter. Criteria: ICSL Variant Classification Criteria 13 December 2019. Collection method: clinical testing. Allele origin: germline.

Clinical Molecular Genetics Laboratory, Johns Hopkins All Children's Hospital
Classification: Uncertain significance for Glucocorticoid Deficiency. Last evaluated: 2009-03-31. Review status: no assertion criteria provided. Collection method: clinical testing. Allele origin: germline. Affected: yes. Not counted in ClinVar's aggregate classification.

NM_000529.2(MC2R):c.765G>A (p.Met255Ile)

Gene: MC2R (melanocortin 2 receptor; minus strand). Cytogenetic location: 18p11.21.
Variant type: single nucleotide variant.
Coding change: c.765G>A on transcript NM_000529.2 (MANE Select); coding-DNA position 765, G replaced by A.
Protein change: p.Met255Ile; replaces methionine 255 with isoleucine.
Molecular consequence: missense variant.
Genome position (GRCh38, 1-based): chr18:13,884,754, C>T on the plus strand (G>A on the coding strand, the complement: MC2R is on the minus strand). VCF-style: chr18-13884754-C-T. GRCh37 (hg19) VCF-style: chr18-13884753-C-T.
Other names: c.765G>A, p.Met255Ile (NM_001291911.1); short protein forms M255I.
Identifiers: ClinVar variation 326193 (VCV000326193.6), dbSNP rs181640454, ClinGen allele CA8902409.